The following is an entry in ClinVar:

NM_001211.6(BUB1B):c.1663C>T (p.Arg555Ter)

Gene: BUB1B (BUB1 mitotic checkpoint serine/threonine kinase B; plus strand). Cytogenetic location: 15q15.1.
Variant type: single nucleotide variant.
Coding change: c.1663C>T on transcript NM_001211.6 (MANE Select); coding-DNA position 1663, C replaced by T.
Protein change: p.Arg555Ter; replaces arginine 555 with a stop codon.
Molecular consequence: nonsense.
Genome position (GRCh38, 1-based): chr15:40,202,623, C>T. VCF-style: chr15-40202623-C-T. GRCh37 (hg19) VCF-style: chr15-40494824-C-T.
Other names: short protein forms R555*.
Identifiers: ClinVar variation 2141736 (VCV002141736.4), dbSNP rs2037587680, ClinGen allele CA391691601.

ClinVar aggregate classification (germline): Pathogenic (1 of 4 stars; one submission).

Conditions:
Mosaic variegated aneuploidy syndrome 1 (MVA1). Also called: Warburton-Anyane-Yeboa syndrome. Identifiers: Orphanet 1052, MedGen C1850343, MONDO:0009759, OMIM 257300.

Allele frequency attached by ClinVar (database versions not stated): gnomAD exomes below 0.00001; TOPMed below 0.00001.
gnomAD v4.1: 6 of 1,614,050 alleles (0.00037%); highest among the groups gnomAD compares: Middle Eastern, 0.017%; no homozygotes.

Submission:

Labcorp Genetics (formerly Invitae), Labcorp
Classification: Pathogenic for Mosaic variegated aneuploidy syndrome 1. Last evaluated: 2022-05-16. Review status: criteria provided, single submitter. Criteria: Invitae Variant Classification Sherloc (09022015). Collection method: clinical testing. Allele origin: germline.
Comment: This sequence change creates a premature translational stop signal (p.Arg555*) in the BUB1B gene. It is expected to result in an absent or disrupted protein product. Loss-of-function variants in BUB1B are known to be pathogenic (PMID: 15475955, 21190457). This variant is not present in population databases (gnomAD no frequency). This variant has not been reported in the literature in individuals affected with BUB1B-related conditions. For these reasons, this variant has been classified as Pathogenic.

Literature cited by the submitters: PubMed 15475955; PubMed 21190457.